The following is an entry in ClinVar:

ClinVar aggregate classification (germline): Uncertain significance. Review status: criteria provided, multiple submitters, no conflicts (2 of 4 stars). 2 submissions from 2 submitters: Uncertain significance (2). Last evaluated 2022-06-12.

Conditions:
Glycogen storage disease, type V (GSD5). Also called: McArdle type glycogen storage disease; MCARDLE DISEASE; MUSCLE GLYCOGEN PHOSPHORYLASE DEFICIENCY; MYOPHOSPHORYLASE DEFICIENCY; PYGM DEFICIENCY. Identifiers: Orphanet 368, MedGen C0017924, MONDO:0009293, OMIM 232600.

Allele frequency attached by ClinVar (database versions not stated): gnomAD 0.00001; TOPMed 0.00001.
gnomAD v4.1: 36 of 1,614,062 alleles (0.0022%); highest among the groups gnomAD compares: Non-Finnish European, 0.0029%; no homozygotes.

Submissions (2):

Labcorp Genetics (formerly Invitae), Labcorp
Classification: Uncertain significance for Glycogen storage disease, type V. Last evaluated: 2022-06-12. Review status: criteria provided, single submitter. Criteria: Invitae Variant Classification Sherloc (09022015). Collection method: clinical testing. Allele origin: germline.
Comment: This sequence change replaces valine, which is neutral and non-polar, with leucine, which is neutral and non-polar, at codon 267 of the PYGM protein (p.Val267Leu). This variant is present in population databases (rs756281352, gnomAD 0.007%). This variant has not been reported in the literature in individuals affected with PYGM-related conditions. Algorithms developed to predict the effect of missense changes on protein structure and function are either unavailable or do not agree on the potential impact of this missense change (SIFT: "Not Available"; PolyPhen-2: "Benign"; Align-GVGD: "Not Available"). In summary, the available evidence is currently insufficient to determine the role of this variant in disease. Therefore, it has been classified as a Variant of Uncertain Significance.

Revvity Omics, Revvity
Classification: Uncertain significance for Glycogen storage disease, type V. Last evaluated: 2019-02-04. Review status: criteria provided, single submitter. Criteria: ACMG Guidelines, 2015. Collection method: clinical testing. Allele origin: germline.

NM_005609.4(PYGM):c.799G>C (p.Val267Leu)

Gene: PYGM (glycogen phosphorylase, muscle associated; minus strand). Cytogenetic location: 11q13.1.
Variant type: single nucleotide variant.
Coding change: c.799G>C on transcript NM_005609.4 (MANE Select); coding-DNA position 799, G replaced by C.
Protein change: p.Val267Leu; replaces valine 267 with leucine.
Molecular consequence: missense variant.
Genome position (GRCh38, 1-based): chr11:64,755,329, C>G on the plus strand (G>C on the coding strand, the complement: PYGM is on the minus strand). VCF-style: chr11-64755329-C-G. GRCh37 (hg19) VCF-style: chr11-64522801-C-G.
Other names: c.799G>C (NM_005609.2); c.535G>C, p.Val179Leu (NM_001164716.1); short protein forms V267L, V179L.
Identifiers: ClinVar variation 2061539 (VCV002061539.4), dbSNP rs756281352, ClinGen allele CA6080111.
Genomic context (GRCh38, chr11:64,755,329, plus strand): 5'-GCACATTATCATTGGGGTACAGGACACGAGAGATGTTCTCCGCCAGGTTTCGGTCCAACA[C>G]AGCCTGGATGTAGCCACCGACATTGACTGAGGGACAAAAGTGGGGACAGGGTAAGGCCTG-3'
Protein context (NP_005600.1, residues 257-277): DFNVGGYIQA[Val267Leu]LDRNLAENIS